The following is an entry in ClinVar:

ClinVar aggregate classification (germline): Likely benign (1 of 4 stars; one submission).

Submission:

GeneDx
Classification: Likely benign. Last evaluated: 2016-04-12. Review status: criteria provided, single submitter. Criteria: GeneDx Variant Classification (06012015). Collection method: clinical testing. Allele origin: germline. Affected: yes.
Comment: This variant is considered likely benign or benign based on one or more of the following criteria: it is a conservative change, it occurs at a poorly conserved position in the protein, it is predicted to be benign by multiple in silico algorithms, and/or has population frequency not consistent with disease.

NM_001048174.2(MUTYH):c.1240-20C>A

Gene: MUTYH (mutY DNA glycosylase; minus strand). Cytogenetic location: 1p34.1.
Variant type: single nucleotide variant.
Coding change: c.1240-20C>A on transcript NM_001048174.2 (MANE Select); 20 bases into the intron before coding-DNA position 1240, C replaced by A.
Molecular consequence: intron variant.
Genome position (GRCh38, 1-based): chr1:45,331,354, G>T on the plus strand (C>A on the coding strand, the complement: MUTYH is on the minus strand). VCF-style: chr1-45331354-G-T. GRCh37 (hg19) VCF-style: chr1-45797026-G-T.
Other names: c.895-20C>A (NM_001350651.2, NM_001350650.2); c.964-20C>A (NM_001293192.2, NM_001293196.2); c.1240-20C>A (NM_001048171.2, NM_001048173.2, NM_001293195.2); c.1285-20C>A (NM_001293190.2); c.1315-20C>A (NM_012222.3); c.1324-20C>A (NM_001128425.2); c.1243-20C>A (NM_001048172.2); c.1273-20C>A (NM_001293191.2).
Identifiers: ClinVar variation 385453 (VCV000385453.1), dbSNP rs184154021, ClinGen allele CA16603726.